The following is an entry in ClinVar:

NM_004006.3(DMD):c.1644del (p.Asp549fs)

Gene: DMD (dystrophin; minus strand). Cytogenetic location: Xp21.1.
Variant type: Deletion.
Coding change: c.1644del on transcript NM_004006.3 (MANE Select); coding-DNA position 1644, one base deleted (A; older notation c.1644delA).
Protein change: p.Asp549fs; shifts the reading frame from aspartic acid 549.
Molecular consequence: frameshift variant.
Genome position (GRCh38, 1-based): chrX:32,573,805, T deleted on the plus strand (A on the coding strand, the reverse complement: DMD is on the minus strand); the first of 2 consecutive T bases (chrX:32,573,805-32,573,806); deleting either gives the same sequence. VCF-style (leftmost placement, unchanged base first): chrX-32573804-CT-C. GRCh37 (hg19) VCF-style: chrX-32591921-CT-C.
Other names: c.1620del, p.Asp541fs (NM_000109.4); c.1632del, p.Asp545fs (NM_004009.3); c.1275del, p.Asp426fs (NM_004010.3); short protein forms D541fs, D545fs, D549fs, D426fs.
Identifiers: ClinVar variation 2706742 (VCV002706742.3), dbSNP rs2526757763, ClinGen allele CA2697552997.

ClinVar aggregate classification (germline): Pathogenic (1 of 4 stars; one submission).

Conditions:
Duchenne muscular dystrophy (DMD). Also called: MUSCULAR DYSTROPHY, PSEUDOHYPERTROPHIC PROGRESSIVE, DUCHENNE TYPE; Duchenne Muscular Dystrophy (DMD). Identifiers: Orphanet 98896, MedGen C0013264, MONDO:0010679, OMIM 310200.

Submission:

Labcorp Genetics (formerly Invitae), Labcorp
Classification: Pathogenic for Duchenne muscular dystrophy. Last evaluated: 2024-02-07. Review status: criteria provided, single submitter. Criteria: Invitae Variant Classification Sherloc (09022015). Collection method: clinical testing. Allele origin: germline.
Comment: This sequence change creates a premature translational stop signal (p.Asp549Thrfs*34) in the DMD gene. It is expected to result in an absent or disrupted protein product. Loss-of-function variants in DMD are known to be pathogenic (PMID: 16770791, 25007885). This variant is not present in population databases (gnomAD no frequency). This variant has not been reported in the literature in individuals affected with DMD-related conditions. For these reasons, this variant has been classified as Pathogenic.

Literature cited by the submitters: PubMed 16770791; PubMed 25007885.